The following is an entry in ClinVar:

NM_004974.4(KCNA2):c.308A>G (p.Asn103Ser)

Gene: KCNA2 (potassium voltage-gated channel subfamily A member 2; minus strand). Cytogenetic location: 1p13.3.
Variant type: single nucleotide variant.
Coding change: c.308A>G on transcript NM_004974.4 (MANE Select); coding-DNA position 308, A replaced by G.
Protein change: p.Asn103Ser; replaces asparagine 103 with serine.
Molecular consequence: missense variant.
Genome position (GRCh38, 1-based): chr1:110,604,475, T>C on the plus strand (A>G on the coding strand, the complement: KCNA2 is on the minus strand). VCF-style: chr1-110604475-T-C. GRCh37 (hg19) VCF-style: chr1-111147097-T-C.
Other names: c.308A>G, p.Asn103Ser (NM_001204269.2); short protein forms N103S.
Identifiers: ClinVar variation 1464639 (VCV001464639.6), dbSNP rs1361080553, ClinGen allele CA341605963.

ClinVar aggregate classification (germline): Uncertain significance (1 of 4 stars; one submission).

Conditions:
Developmental and epileptic encephalopathy, 32 (DEE32). Also called: Epileptic encephalopathy, early infantile, 32. Identifiers: Orphanet 442835, MedGen C4225350, MONDO:0014607, OMIM 616366.

Allele frequency attached by ClinVar (database versions not stated): TOPMed 0.00001.

Submission:

Labcorp Genetics (formerly Invitae), Labcorp
Classification: Uncertain significance for Developmental and epileptic encephalopathy, 32. Last evaluated: 2022-06-27. Review status: criteria provided, single submitter. Criteria: Invitae Variant Classification Sherloc (09022015). Collection method: clinical testing. Allele origin: germline.
Comment: In summary, the available evidence is currently insufficient to determine the role of this variant in disease. Therefore, it has been classified as a Variant of Uncertain Significance. Advanced modeling of protein sequence and biophysical properties (such as structural, functional, and spatial information, amino acid conservation, physicochemical variation, residue mobility, and thermodynamic stability) performed at Invitae indicates that this missense variant is not expected to disrupt KCNA2 protein function. This variant has not been reported in the literature in individuals affected with KCNA2-related conditions. This variant is not present in population databases (gnomAD no frequency). This sequence change replaces asparagine, which is neutral and polar, with serine, which is neutral and polar, at codon 103 of the KCNA2 protein (p.Asn103Ser).